The following is an entry in ClinVar:

NM_000179.3(MSH6):c.3733_3737dup (p.Thr1247fs)

Gene: MSH6 (mutS homolog 6; plus strand). Cytogenetic location: 2p16.3.
Variant type: Duplication.
Coding change: c.3733_3737dup on transcript NM_000179.3 (MANE Select); coding-DNA positions 3733 to 3737, 5 bases duplicated (TTTTC; older notation c.3733_3737dupTTTTC).
Protein change: p.Thr1247fs; shifts the reading frame from threonine 1247.
Molecular consequence: frameshift variant. On other transcripts: non-coding transcript variant (5).
Genome position (GRCh38, 1-based): chr2:47,806,290-47,806,294, TTTTC duplicated. VCF-style (leftmost placement, unchanged base first): chr2-47806289-A-ATTTTC. GRCh37 (hg19) VCF-style: chr2-48033428-A-ATTTTC.
Other names: c.3208_3212dup, p.Thr1072fs (NM_001406807.1, NM_001406799.1, NM_001406806.1); c.3733_3737dup, p.Thr1247fs (NM_001406808.1, NM_001406809.1, NM_001406800.1 and 1 more transcripts); c.2827_2831dup, p.Thr945fs (NM_001406811.1, NM_001406812.1, NM_001406814.1 and 6 more transcripts); c.3739_3743dup, p.Thr1249fs (NM_001406813.1); c.2167_2171dup, p.Thr725fs (NM_001406817.1); c.3436_3440dup, p.Thr1148fs (NM_001406818.1, NM_001406819.1, NM_001406820.1 and 10 more transcripts); c.3565_3569dup, p.Thr1191fs (NM_001406826.1); c.514_518dup, p.Thr174fs (NM_001406831.1); and 7 more; short protein forms T1247fs, T1249fs, T1279fs, T562fs, T959fs, T725fs, T1072fs, T1148fs.
Identifiers: ClinVar variation 3639816 (VCV003639816.2).

ClinVar aggregate classification (germline): Pathogenic (1 of 4 stars; one submission).

Conditions:
Hereditary nonpolyposis colorectal neoplasms. Identifiers: MedGen C0009405, MeSH D003123.

Submission:

Labcorp Genetics (formerly Invitae), Labcorp
Classification: Pathogenic for Hereditary nonpolyposis colorectal neoplasms. Last evaluated: 2024-02-09. Review status: criteria provided, single submitter. Criteria: Invitae Variant Classification Sherloc (09022015). Collection method: clinical testing. Allele origin: germline.
Comment: This sequence change creates a premature translational stop signal (p.Thr1247Phefs*8) in the MSH6 gene. It is expected to result in an absent or disrupted protein product. Loss-of-function variants in MSH6 are known to be pathogenic (PMID: 18269114, 24362816). This variant is not present in population databases (gnomAD no frequency). This variant has not been reported in the literature in individuals affected with MSH6-related conditions. For these reasons, this variant has been classified as Pathogenic.

Literature cited by the submitters: PubMed 18269114; PubMed 24362816.